The following is an entry in ClinVar:

ClinVar aggregate classification (germline): Conflicting classifications of pathogenicity. Review status: criteria provided, conflicting classifications (1 of 4 stars). 2 submissions from 2 submitters: Likely pathogenic (1); Uncertain significance (1). Last evaluated 2022-05-09.

Conditions:
Mucopolysaccharidosis, MPS-IV-A (MPS4A). Also called: Mucopolysaccharidosis type IV A; Mucopolysaccharidosis Type IVA; Morquio syndrome A, mild; MORQUIO SYNDROME A; MPS IVA; mucopolysaccharidosis type 4A. Identifiers: Orphanet 309297, Orphanet 582, MedGen C0086651, MONDO:0009659, OMIM 253000.

Submissions (2):

Kasturba Medical College, Manipal, Kasturba Medical College, Manipal, Manipal Academy of Higher Education, Manipal, India
Classification: Likely pathogenic for Mucopolysaccharidosis, MPS-IV-A. Last evaluated: 2022-05-09. Review status: criteria provided, single submitter. Criteria: ACMG Guidelines, 2015. Collection method: clinical testing. Allele origin: germline. Affected: yes.

Laboratory of Diagnosis and Therapy of Lysosomal Disorders, University of Padova
Classification: Uncertain significance for Mucopolysaccharidosis, MPS-IV-A. Last evaluated: 2021-02-01. Review status: criteria provided, single submitter. Criteria: ACMG Guidelines, 2015. Collection method: curation. Allele origin: germline. Affected: yes.
Comment: In vivo functional studies supportive of a damaging effect on the gene product (low to null enzymatic activity in homozygotes; PS3_supporting); absent from gnomAD v2.1.1 (PM2_moderate); multiple lines of computational evidence support a deleterious effect on the gene (PP3_supporting)

Literature cited by the submitters: PubMed 25252036 (cited by Laboratory of Diagnosis and Therapy of Lysosomal Disorders, University of Padova); PubMed 34387910 (cited by Laboratory of Diagnosis and Therapy of Lysosomal Disorders, University of Padova).

NM_000512.5(GALNS):c.571T>G (p.Tyr191Asp)

Gene: GALNS (galactosamine (N-acetyl)-6-sulfatase; minus strand). Cytogenetic location: 16q24.3.
Variant type: single nucleotide variant.
Coding change: c.571T>G on transcript NM_000512.5 (MANE Select); coding-DNA position 571, T replaced by G.
Protein change: p.Tyr191Asp; replaces tyrosine 191 with aspartic acid.
Molecular consequence: missense variant.
Genome position (GRCh38, 1-based): chr16:88,836,263, A>C on the plus strand (T>G on the coding strand, the complement: GALNS is on the minus strand). VCF-style: chr16-88836263-A-C. GRCh37 (hg19) VCF-style: chr16-88902671-A-C.
Other names: c.16T>G, p.Tyr6Asp (NM_001323543.2); c.589T>G, p.Tyr197Asp (NM_001323544.2); short protein forms Y191D, Y197D, Y6D.
Identifiers: ClinVar variation 1048413 (VCV001048413.6), dbSNP rs2143001744, ClinGen allele CA397081588.